The following is an entry in ClinVar:

NM_001146197.3(LRTM3):c.8626A>G (p.Lys2876Glu)

Gene: LRTM3 (leucine rich repeat transmembrane protein 3; minus strand). Cytogenetic location: 13q33.1.
Variant type: single nucleotide variant.
Coding change: c.8626A>G on transcript NM_001146197.3 (MANE Select); coding-DNA position 8626, A replaced by G.
Protein change: p.Lys2876Glu; replaces lysine 2876 with glutamic acid.
Molecular consequence: missense variant.
Genome position (GRCh38, 1-based): chr13:102,742,071, T>C on the plus strand (A>G on the coding strand, the complement: LRTM3 is on the minus strand). VCF-style: chr13-102742071-T-C. GRCh37 (hg19) VCF-style: chr13-103394421-T-C.
Other names: short protein forms K2876E.
Identifiers: ClinVar variation 4871954 (VCV004871954.2).
Genomic context (GRCh38, chr13:102,742,071, plus strand): 5'-TTTGCATTTCTTTTAGTGGTTTCTCCAGCTTTGGCTGTGGAAGAATGCATGTCCTGTCTT[T>C]TGGCTTGTCTTTCTCCATTTTTACTTCTGTAAGCTTTTTAATGCTAGACACACAGTATCC-3'
Protein context (NP_001139669.1, residues 2866-2886): TEVKMEKDKP[Lys2876Glu]DRTCILPQPK

ClinVar aggregate classification (germline): Likely benign (1 of 4 stars; one submission).

gnomAD v4.1: 4,845 of 1,550,544 alleles (0.31%); highest among the groups gnomAD compares: Non-Finnish European, 0.36%; 9 homozygotes.

Submission:

CeGaT Center for Human Genetics Tuebingen
Classification: Likely benign. Last evaluated: 2026-03-01. Review status: criteria provided, single submitter. Criteria: CeGaT Center For Human Genetics Tuebingen Variant Classification Criteria Version 2. Collection method: clinical testing. Allele origin: germline. Affected: yes. Observed: 1 variant allele.
Comment: LRTM3: BP4, BS2